The following is an entry in ClinVar:

NM_001382273.1(TNK2):c.2408G>A (p.Gly803Asp)

Gene: TNK2 (tyrosine kinase non receptor 2; minus strand). Cytogenetic location: 3q29.
Variant type: single nucleotide variant.
Coding change: c.2408G>A on transcript NM_001382273.1 (MANE Select); coding-DNA position 2408, G replaced by A.
Protein change: p.Gly803Asp; replaces glycine 803 with aspartic acid.
Molecular consequence: missense variant. On other transcripts: non-coding transcript variant (15).
Genome position (GRCh38, 1-based): chr3:195,867,890, C>T on the plus strand (G>A on the coding strand, the complement: TNK2 is on the minus strand). VCF-style: chr3-195867890-C-T. GRCh37 (hg19) VCF-style: chr3-195594761-C-T.
Other names: c.2597G>A (NM_001010938.1); c.2480G>A, p.Gly827Asp (NM_001010938.2, NM_001382272.1); c.2459G>A, p.Gly820Asp (NM_001308046.2, NM_001382271.1); c.2408G>A, p.Gly803Asp (NM_001382274.1, NM_001387716.1, NM_001387717.1 and 1 more transcripts); c.2504G>A, p.Gly835Asp (NM_001382275.1, NM_001387707.1); c.2363G>A, p.Gly788Asp (NM_001386164.1, NM_001387709.1, NM_001387710.1 and 8 more transcripts); c.2435G>A, p.Gly812Asp (NM_001387708.1, NM_001387715.1); short protein forms G820D, G788D, G803D, G827D, G812D, G835D.
Identifiers: ClinVar variation 1969932 (VCV001969932.6), dbSNP rs775383586, ClinGen allele CA2775929.

ClinVar aggregate classification (germline): Uncertain significance. Review status: criteria provided, multiple submitters, no conflicts (2 of 4 stars). 2 submissions from 2 submitters: Uncertain significance (2). Last evaluated 2025-04-13.

Allele frequency attached by ClinVar (database versions not stated): TOPMed below 0.00001; ExAC 0.00003.
gnomAD v4.1: 20 of 1,531,168 alleles (0.0013%); highest among the groups gnomAD compares: Admixed American, 0.0022%; no homozygotes.

Submissions (2):

Ambry Genetics
Classification: Uncertain significance. Last evaluated: 2025-04-13. Review status: criteria provided, single submitter. Criteria: Ambry Variant Classification Scheme 2023. Collection method: clinical testing. Allele origin: germline.

Labcorp Genetics (formerly Invitae), Labcorp
Classification: Uncertain significance. Last evaluated: 2022-05-13. Review status: criteria provided, single submitter. Criteria: Invitae Variant Classification Sherloc (09022015). Collection method: clinical testing. Allele origin: germline.
Comment: In summary, the available evidence is currently insufficient to determine the role of this variant in disease. Therefore, it has been classified as a Variant of Uncertain Significance. Algorithms developed to predict the effect of missense changes on protein structure and function (SIFT, PolyPhen-2, Align-GVGD) all suggest that this variant is likely to be tolerated. This variant has not been reported in the literature in individuals affected with TNK2-related conditions. The frequency data for this variant in the population databases is considered unreliable, as metrics indicate poor data quality at this position in the gnomAD database. This sequence change replaces glycine, which is neutral and non-polar, with aspartic acid, which is acidic and polar, at codon 866 of the TNK2 protein (p.Gly866Asp).